The following is an entry in ClinVar:

NM_006648.4(WNK2):c.5287C>T (p.His1763Tyr)

Gene: WNK2 (WNK lysine deficient protein kinase 2; plus strand). Cytogenetic location: 9q22.31.
Variant type: single nucleotide variant.
Coding change: c.5287C>T on transcript NM_006648.4 (MANE Select); coding-DNA position 5287, C replaced by T.
Protein change: p.His1763Tyr; replaces histidine 1763 with tyrosine.
Molecular consequence: missense variant.
Genome position (GRCh38, 1-based): chr9:93,292,752, C>T. VCF-style: chr9-93292752-C-T. GRCh37 (hg19) VCF-style: chr9-96055034-C-T.
Other names: c.5398C>T, p.His1800Tyr (NM_001282394.3); short protein forms H1800Y, H1763Y.
Identifiers: ClinVar variation 3817054 (VCV003817054.1).

ClinVar aggregate classification (germline): Uncertain significance (1 of 4 stars; one submission).

gnomAD v4.1: 15 of 1,563,314 alleles (0.00096%); highest among the groups gnomAD compares: South Asian, 0.0059%; no homozygotes.

Submission:

Ambry Genetics
Classification: Uncertain significance. Last evaluated: 2025-02-09. Review status: criteria provided, single submitter. Criteria: Ambry Variant Classification Scheme 2023. Collection method: clinical testing. Allele origin: germline.
Comment: The p.H1763Y variant (also known as c.5287C>T), located in coding exon 22 of the WNK2 gene, results from a C to T substitution at nucleotide position 5287. The histidine at codon 1763 is replaced by tyrosine, an amino acid with similar properties. This amino acid position is conserved. In addition, this alteration is predicted to be tolerated by in silico analysis. Based on the available evidence, the clinical significance of this variant remains unclear.